The following is an entry in ClinVar:

NM_020719.3(PRR12):c.2824del (p.Glu942fs)

Gene: PRR12 (proline rich 12; plus strand). Cytogenetic location: 19q13.33.
Variant type: Deletion.
Coding change: c.2824del on transcript NM_020719.3 (MANE Select); coding-DNA position 2824, one base deleted (G; older notation c.2824delG).
Protein change: p.Glu942fs; shifts the reading frame from glutamic acid 942.
Molecular consequence: frameshift variant.
Genome position (GRCh38, 1-based): chr19:49,597,159, G deleted. VCF-style (leftmost placement, unchanged base first): chr19-49597158-CG-C. GRCh37 (hg19) VCF-style: chr19-50100415-CG-C.
Other names: short protein forms E942fs.
Identifiers: ClinVar variation 3897214 (VCV003897214.1).
Genomic context (GRCh38, chr19:49,597,158, plus strand): 5'-CAAGGCGCCGCGTTTCGTGCCGCTCACCTCCATCTGCTTCCCTGACTCCTTGCTCCAAGA[CG>C]AGGAGCGCAGCTTCTTCCCCACCATGGAGGAGATGTTCGGTGGAGGGGCCGCGGACGACT-3'

ClinVar aggregate classification (germline): Pathogenic (1 of 4 stars; one submission).

Submission:

GeneDx
Classification: Pathogenic. Last evaluated: 2024-10-31. Review status: criteria provided, single submitter. Criteria: GeneDx Variant Classification Process June 2021. Collection method: clinical testing. Allele origin: germline. Affected: yes.
Comment: Frameshift variant predicted to result in protein truncation or nonsense mediated decay in a gene for which loss of function is a known mechanism of disease; Not observed at significant frequency in large population cohorts (gnomAD); This variant is associated with the following publications: (PMID: 33824499)